The following is an entry in ClinVar:

NM_004415.4(DSP):c.2612A>G (p.Asp871Gly)

Gene: DSP (desmoplakin; plus strand). Cytogenetic location: 6p24.3.
Variant type: single nucleotide variant.
Coding change: c.2612A>G on transcript NM_004415.4 (MANE Select); coding-DNA position 2612, A replaced by G.
Protein change: p.Asp871Gly; replaces aspartic acid 871 with glycine.
Molecular consequence: missense variant.
Genome position (GRCh38, 1-based): chr6:7,575,470, A>G. VCF-style: chr6-7575470-A-G. GRCh37 (hg19) VCF-style: chr6-7575703-A-G.
Other names: c.2612A>G, p.Asp871Gly (NM_001008844.3, NM_001319034.2); short protein forms D871G.
Identifiers: ClinVar variation 4791564 (VCV004791564.1).

ClinVar aggregate classification (germline): Uncertain significance (1 of 4 stars; one submission).

Conditions:
Arrhythmogenic cardiomyopathy with wooly hair and keratoderma. Also called: PALMOPLANTAR KERATODERMA WITH LEFT VENTRICULAR CARDIOMYOPATHY AND WOOLLY HAIR; Carvajal syndrome; Dilated cardiomyopathy with woolly hair and keratoderma; Arrhythmogenic cardiomyopathy with woolly hair and keratoderma. Identifiers: Orphanet 65282, MedGen C1854063, MONDO:0011581, OMIM 605676.
Arrhythmogenic right ventricular dysplasia 8 (ARVD8). Also called: Arrhythmogenic Right Ventricular Dysplasia/Cardiomyopathy 8; ARRHYTHMOGENIC RIGHT VENTRICULAR DYSPLASIA, FAMILIAL, 8; ARRHYTHMOGENIC RIGHT VENTRICULAR CARDIOMYOPATHY 8. Identifiers: MedGen C1843896, MONDO:0011831, OMIM 607450.

Submission:

Labcorp Genetics (formerly Invitae), Labcorp
Classification: Uncertain significance for Arrhythmogenic cardiomyopathy with wooly hair and keratoderma; Arrhythmogenic right ventricular dysplasia 8. Last evaluated: 2025-12-16. Review status: criteria provided, single submitter. Criteria: Invitae Variant Classification Sherloc (09022015). Collection method: clinical testing. Allele origin: germline.
Comment: This sequence change replaces aspartic acid, which is acidic and polar, with glycine, which is neutral and non-polar, at codon 871 of the DSP protein (p.Asp871Gly). This variant is not present in population databases (gnomAD no frequency). This variant has not been reported in the literature in individuals affected with DSP-related conditions. An algorithm developed to predict the effect of missense changes on protein structure and function (PolyPhen-2) suggests that this variant is likely to be tolerated. Algorithms developed to predict the effect of sequence changes on RNA splicing suggest that this variant may disrupt the consensus splice site. In summary, the available evidence is currently insufficient to determine the role of this variant in disease. Therefore, it has been classified as a Variant of Uncertain Significance.